The following is an entry in ClinVar:

NM_030777.4(SLC2A10):c.317C>G (p.Ala106Gly)

Gene: SLC2A10 (solute carrier family 2 member 10; plus strand). Cytogenetic location: 20q13.12.
Variant type: single nucleotide variant.
Coding change: c.317C>G on transcript NM_030777.4 (MANE Select); coding-DNA position 317, C replaced by G.
Protein change: p.Ala106Gly; replaces alanine 106 with glycine.
Molecular consequence: missense variant.
Genome position (GRCh38, 1-based): chr20:46,725,353, C>G. VCF-style: chr20-46725353-C-G. GRCh37 (hg19) VCF-style: chr20-45353992-C-G.
Other names: p.A106G:GCT>GGT; short protein forms A106G.
Identifiers: ClinVar variation 213713 (VCV000213713.36), dbSNP rs144095826, ClinGen allele CA322497.
Genomic context (GRCh38, chr20:46,725,353, plus strand): 5'-TGGCAGGCAGCCTGACCCTGGGCCTGGCTGGTTCCCTGGCCTGGCTGGTCCTGGGCCGCG[C>G]TGTGGTTGGCTTCGCCATTTCCCTCTCCTCCATGGCTTGCTGTATCTACGTGTCAGAGCT-3'
Protein context (NP_110404.1, residues 96-116): GSLAWLVLGR[Ala106Gly]VVGFAISLSS

ClinVar aggregate classification (germline): Conflicting classifications of pathogenicity. Review status: criteria provided, conflicting classifications (1 of 4 stars). 8 submissions from 8 submitters: Uncertain significance (6); Likely benign (2). Last evaluated 2026-02-02.

Conditions:
Familial thoracic aortic aneurysm and aortic dissection (TAAD). Also called: Thoracic aortic aneurysms and dissections. Identifiers: Orphanet 91387, MedGen C4707243, MONDO:0019625.
Arterial tortuosity syndrome (ATORS). Identifiers: Orphanet 3342, MedGen C1859726, MONDO:0008818, OMIM 208050.

Allele frequency attached by ClinVar (database versions not stated): ExAC 0.00009; gnomAD exomes 0.00012; ESP Exome Variant Server 0.00015; 1000 Genomes Project 30x 0.00016; TOPMed 0.00017; 1000 Genomes Project 0.00020; gnomAD 0.00020 and 0.00023.
gnomAD v4.1: 288 of 1,614,134 alleles (0.018%); highest among the groups gnomAD compares: Middle Eastern, 0.033%; no homozygotes.

Submissions (8):

Labcorp Genetics (formerly Invitae), Labcorp
Classification: Likely benign for Arterial tortuosity syndrome. Last evaluated: 2026-02-02. Review status: criteria provided, single submitter. Criteria: Invitae Variant Classification Sherloc (09022015). Collection method: clinical testing. Allele origin: germline.

Women's Health and Genetics/Laboratory Corporation of America, LabCorp
Classification: Uncertain significance. Last evaluated: 2025-07-21. Review status: criteria provided, single submitter. Criteria: LabCorp Variant Classification Summary - May 2015. Collection method: clinical testing. Allele origin: germline.
Comment: Variant summary: SLC2A10 c.317C>G (p.Ala106Gly) results in a non-conservative amino acid change located in the Major facilitator superfamily domain (IPR020846) of the encoded protein sequence. Algorithms developed to predict the effect of missense changes on protein structure and function are either unavailable or do not agree on the potential impact of this missense change. The variant allele was found at a frequency of 0.00012 in 250946 control chromosomes. This frequency is not significantly higher than estimated for a pathogenic variant in SLC2A10 causing Aortopathy (0.00012 vs 0.0016), allowing no conclusion about variant significance. c.317C>G has been reported in the literature in one individual who had suspicion of heritable connective tissue disorders (Veatch_2022). This report does not provide unequivocal conclusions about association of the variant with Aortopathy. To our knowledge, no experimental evidence demonstrating an impact on protein function has been reported. ClinVar contains an entry for this variant (Variation ID: 213713). Based on the evidence outlined above, the variant was classified as uncertain significance.

GeneDx
Classification: Uncertain significance. Last evaluated: 2025-05-20. Review status: criteria provided, single submitter. Criteria: GeneDx Variant Classification Process June 2021. Collection method: clinical testing. Allele origin: germline. Affected: yes.
Comment: Has not been previously published as pathogenic or benign to our knowledge; In silico analysis suggests that this missense variant does not alter protein structure/function

Ambry Genetics
Classification: Likely benign for Familial thoracic aortic aneurysm and aortic dissection. Last evaluated: 2024-09-04. Review status: criteria provided, single submitter. Criteria: Ambry Variant Classification Scheme 2023. Collection method: clinical testing. Allele origin: germline.

Revvity Omics, Revvity
Classification: Uncertain significance for Arterial tortuosity syndrome. Last evaluated: 2023-06-15. Review status: criteria provided, single submitter. Criteria: ACMG Guidelines, 2015. Collection method: clinical testing. Allele origin: germline.

ARUP Laboratories, Molecular Genetics and Genomics, ARUP Laboratories
Classification: Uncertain significance for Arterial tortuosity syndrome. Last evaluated: 2021-10-21. Review status: criteria provided, single submitter. Criteria: ARUP Molecular Germline Variant Investigation Process 2021. Collection method: clinical testing. Allele origin: germline.
Comment: The p.Ala106Gly variant (rs144095826) has not been reported in the medical literature or gene specific variation databases but it has been reported to ClinVar (Variation ID: 213713). This variant is listed in the NHLBI GO Exome Sequencing Project with an overall population frequency of 0.02 percent (identified on 2 out of 13,006 chromosomes) and is listed in the Exome Aggregation Consortium Browser with an overall population frequency of 0.009 percent (identified on 11 out of 121,100 chromosomes). The alanine at position 106 is weakly conserved (Alamut v.2.8.1) and computational analyses of the effects of the p.Ala106Gly variant on protein structure and function provide conflicting results (SIFT: damaging, MutationTaster: polymorphism, PolyPhen-2: benign). Altogether, there is not enough evidence to classify the p.Ala106Gly variant with certainty.

CHEO Genetics Diagnostic Laboratory, Children's Hospital of Eastern Ontario
Classification: Uncertain significance for Familial thoracic aortic aneurysm and aortic dissection. Last evaluated: 2019-02-01. Review status: criteria provided, single submitter. Criteria: ACMG Guidelines, 2015. Collection method: clinical testing. Allele origin: germline.

Illumina Laboratory Services, Illumina
Classification: Uncertain significance for Arterial tortuosity syndrome. Last evaluated: 2018-01-13. Review status: criteria provided, single submitter. Criteria: ICSL Variant Classification Criteria 13 December 2019. Collection method: clinical testing. Allele origin: germline.

Literature cited by the submitters: PubMed 35918752 (cited by Women's Health and Genetics/Laboratory Corporation of America, LabCorp).